The following is an entry in ClinVar:

ClinVar aggregate classification (germline): Uncertain significance. Review status: criteria provided, multiple submitters, no conflicts (2 of 4 stars). 5 submissions from 5 submitters: Uncertain significance (5). Last evaluated 2026-05-06.

Conditions:
MARVELD2-related disorder. Also called: MARVELD2-related condition.
Inborn genetic diseases. Identifiers: MedGen C0950123, MeSH D030342.

Allele frequency attached by ClinVar (database versions not stated): gnomAD 0.00006 and 0.00007; TOPMed 0.00008; gnomAD exomes 0.00010 and 0.00012; ExAC 0.00016.
gnomAD v4.1: 158 of 1,614,082 alleles (0.0098%); highest among the groups gnomAD compares: Middle Eastern, 0.066%; no homozygotes.

Submissions (5):

PreventionGenetics, part of Exact Sciences
Classification: Uncertain significance for MARVELD2-related condition. Last evaluated: 2026-05-06. Review status: criteria provided, single submitter. Criteria: ACMG Guidelines, 2015. Collection method: clinical testing. Allele origin: germline.
Comment: The MARVELD2 c.400A>G variant is predicted to result in the amino acid substitution p.Lys134Glu. To our knowledge, this variant has not been reported in the literature. This variant is reported in 0.033% of alleles in individuals of South Asian descent in gnomAD. At this time, the clinical significance of this variant is uncertain due to the absence of conclusive functional and genetic evidence.

GeneDx
Classification: Uncertain significance. Last evaluated: 2025-10-15. Review status: criteria provided, single submitter. Criteria: GeneDx Variant Classification Process June 2021. Collection method: clinical testing. Allele origin: germline. Affected: yes.
Comment: In silico analysis suggests that this missense variant does not alter protein structure/function; Has not been previously published as pathogenic or benign to our knowledge

Blueprint Genetics
Classification: Uncertain significance. Last evaluated: 2024-09-30. Review status: criteria provided, single submitter. Criteria: ACMG Guidelines, 2015. Collection method: clinical testing. Allele origin: germline.

Labcorp Genetics (formerly Invitae), Labcorp
Classification: Uncertain significance. Last evaluated: 2023-05-06. Review status: criteria provided, single submitter. Criteria: Invitae Variant Classification Sherloc (09022015). Collection method: clinical testing. Allele origin: germline.
Comment: ClinVar contains an entry for this variant (Variation ID: 1460943). In summary, the available evidence is currently insufficient to determine the role of this variant in disease. Therefore, it has been classified as a Variant of Uncertain Significance. Advanced modeling of protein sequence and biophysical properties (such as structural, functional, and spatial information, amino acid conservation, physicochemical variation, residue mobility, and thermodynamic stability) performed at Invitae indicates that this missense variant is not expected to disrupt MARVELD2 protein function. This variant has not been reported in the literature in individuals affected with MARVELD2-related conditions. This variant is present in population databases (rs746957826, gnomAD 0.03%). This sequence change replaces lysine, which is basic and polar, with glutamic acid, which is acidic and polar, at codon 134 of the MARVELD2 protein (p.Lys134Glu).

Ambry Genetics
Classification: Uncertain significance for Inborn genetic diseases. Last evaluated: 2021-07-09. Review status: criteria provided, single submitter. Criteria: Ambry Variant Classification Scheme 2023. Collection method: clinical testing. Allele origin: germline.

NM_001038603.3(MARVELD2):c.400A>G (p.Lys134Glu)

Gene: MARVELD2 (MARVEL domain containing 2; plus strand). Cytogenetic location: 5q13.2.
Variant type: single nucleotide variant.
Coding change: c.400A>G on transcript NM_001038603.3 (MANE Select); coding-DNA position 400, A replaced by G.
Protein change: p.Lys134Glu; replaces lysine 134 with glutamic acid.
Molecular consequence: missense variant.
Genome position (GRCh38, 1-based): chr5:69,419,785, A>G. VCF-style: chr5-69419785-A-G. GRCh37 (hg19) VCF-style: chr5-68715612-A-G.
Other names: c.400A>G (NM_001038603.2); c.400A>G, p.Lys134Glu (NM_001244734.2); short protein forms K134E.
Identifiers: ClinVar variation 1460943 (VCV001460943.11), dbSNP rs746957826, ClinGen allele CA3294036.